The following is an entry in ClinVar:

ClinVar aggregate classification (germline): Conflicting classifications of pathogenicity. Review status: criteria provided, conflicting classifications (1 of 4 stars). 4 submissions from 4 submitters: Uncertain significance (1); Likely benign (3). Last evaluated 2025-12-31.

Conditions:
Cardiovascular phenotype. Identifiers: MedGen CN230736.
Hereditary hemorrhagic telangiectasia (HHT). Also called: Osler hemorrhagic telangiectasia syndrome; ORW DISEASE; Osler Weber Rendu syndrome; OSLER-RENDU-WEBER DISEASE. Identifiers: Orphanet 774, MedGen C0039445, MONDO:0019180. Disease mechanism: loss of function.
Telangiectasia, hereditary hemorrhagic, type 1 (HHT1). Also called: Osler Weber Rendu syndrome type 1; ENG-Related Hereditary Hemorrhagic Telangiectasia. Identifiers: Orphanet 774, MedGen C4551861, MONDO:0008535, OMIM 187300. Disease mechanism: loss of function.

Allele frequency attached by ClinVar (database versions not stated): gnomAD exomes 0.00006 and 0.00017; ESP Exome Variant Server 0.00008; gnomAD 0.00009 and 0.00010; TOPMed 0.00009; ExAC 0.00011.

Submissions (6):

Labcorp Genetics (formerly Invitae), Labcorp
Classification: Likely benign for Hereditary hemorrhagic telangiectasia. Last evaluated: 2025-12-31. Review status: criteria provided, single submitter. Criteria: Invitae Variant Classification Sherloc (09022015). Collection method: clinical testing. Allele origin: germline.

CeGaT Center for Human Genetics Tuebingen
Classification: Likely benign. Last evaluated: 2025-09-01. Review status: criteria provided, single submitter. Criteria: CeGaT Center For Human Genetics Tuebingen Variant Classification Criteria Version 2. Collection method: clinical testing. Allele origin: germline. Affected: yes. Observed: 13 variant alleles.
Comment: ENG: BP4

Ambry Genetics
Classification: Likely benign for Cardiovascular phenotype. Last evaluated: 2020-11-19. Review status: criteria provided, single submitter. Criteria: Ambry Variant Classification Scheme 2023. Collection method: clinical testing. Allele origin: germline.

Illumina Laboratory Services, Illumina
Classification: Uncertain significance for Telangiectasia, hereditary hemorrhagic, type 1. Last evaluated: 2017-04-27. Review status: criteria provided, single submitter. Criteria: ICSL Variant Classification Criteria 13 December 2019. Collection method: clinical testing. Allele origin: germline.

Dr. Peter K. Rogan Lab, Western University
No classification provided (evidence only). Condition: Clear cell carcinoma of kidney. Review status: no classification provided. Collection method: in vitro. Allele origin: not applicable. Functional consequence: retained intron. Not counted in ClinVar's aggregate classification.

Dr. Peter K. Rogan Lab, Western University
No classification provided (evidence only). Condition: Cervical cancer. Review status: no classification provided. Collection method: in vitro. Allele origin: not applicable. Functional consequence: retained intron. Not counted in ClinVar's aggregate classification.

NM_001114753.3(ENG):c.850G>A (p.Glu284Lys)

Gene: ENG (endoglin; minus strand). Cytogenetic location: 9q34.11.
Variant type: single nucleotide variant.
Coding change: c.850G>A on transcript NM_001114753.3 (MANE Select); coding-DNA position 850, G replaced by A.
Protein change: p.Glu284Lys; replaces glutamic acid 284 with lysine.
Molecular consequence: missense variant.
Genome position (GRCh38, 1-based): chr9:127,824,941, C>T on the plus strand (G>A on the coding strand, the complement: ENG is on the minus strand). VCF-style: chr9-127824941-C-T. GRCh37 (hg19) VCF-style: chr9-130587220-C-T.
Other names: c.850G>A, p.Glu284Lys (NM_000118.4, NM_001406715.1); c.304G>A, p.Glu102Lys (NM_001278138.2); short protein forms E284K, E102K.
Identifiers: ClinVar variation 528083 (VCV000528083.49), dbSNP rs372045549, ClinGen allele CA5252951.